The following is an entry in ClinVar:

ClinVar aggregate classification (germline): Uncertain significance (1 of 4 stars; one submission).

Conditions:
Malignant hyperthermia, susceptibility to, 5 (MHS5). Also called: CACNA1S-Related Malignant Hyperthermia Susceptibility. Identifiers: Orphanet 423, MedGen C1866077, MONDO:0011163, OMIM 601887.

gnomAD v4.1: 1 of 1,613,728 alleles (0.000062%); highest among the groups gnomAD compares: Non-Finnish European, 0.000085%; no homozygotes.

Submission:

All of Us Research Program, National Institutes of Health
Classification: Uncertain significance for Malignant hyperthermia, susceptibility to, 5. Last evaluated: 2023-11-30. Review status: criteria provided, single submitter. Criteria: ACMG Guidelines, 2015. Collection method: clinical testing. Allele origin: germline. Inheritance: Autosomal dominant inheritance. Observed: 3 variant alleles, 3 heterozygotes.
Comment: This missense variant replaces asparagine with aspartic acid at codon 649 of the CACNA1S protein. Computational prediction suggests that this variant may have deleterious impact on protein structure and function (internally defined REVEL score threshold >= 0.7, PMID: 27666373). To our knowledge, functional studies have not been reported for this variant. This variant has not been reported in individuals affected with CACNA1S-related disorders in the literature. This variant has not been identified in the general population by the Genome Aggregation Database (gnomAD). The available evidence is insufficient to determine the role of this variant in disease conclusively. Therefore, this variant is classified as a Variant of Uncertain Significance.

This study involves interpretation of variants in research participants for the purpose of population health screening. Participant phenotype was not available at the time of variant classification. Additional details can be found in publication PMID: 35346344, PMCID: PMC8962531

NM_000069.3(CACNA1S):c.1945A>G (p.Asn649Asp)

Gene: CACNA1S (calcium voltage-gated channel subunit alpha1 S; minus strand). Cytogenetic location: 1q32.1.
Variant type: single nucleotide variant.
Coding change: c.1945A>G on transcript NM_000069.3 (MANE Select); coding-DNA position 1945, A replaced by G.
Protein change: p.Asn649Asp; replaces asparagine 649 with aspartic acid.
Molecular consequence: missense variant.
Genome position (GRCh38, 1-based): chr1:201,075,498, T>C on the plus strand (A>G on the coding strand, the complement: CACNA1S is on the minus strand). VCF-style: chr1-201075498-T-C. GRCh37 (hg19) VCF-style: chr1-201044626-T-C.
Other names: short protein forms N649D.
Identifiers: ClinVar variation 3072505 (VCV003072505.1), dbSNP rs760246258, ClinGen allele CA344116492.
Genomic context (GRCh38, chr1:201,075,498, plus strand): 5'-CCCTTTCCCCCACCCCCTCCCTAAGCTCTTTTCTGCACCCTGCTCCCGAGAGGATACAGT[T>C]GCCACAGACGAAAAGGATGATGAAGTAAATGCACACAAGCATGCCAGGGTAGGACGGCCC-3'
Protein context (NP_000060.2, residues 639-659): IYFIILFVCG[Asn649Asp]YILLNVFLAI